The following is an entry in ClinVar:

NM_013275.6(ANKRD11):c.886T>C (p.Ser296Pro)

Gene: ANKRD11 (ankyrin repeat domain containing 11; minus strand). Cytogenetic location: 16q24.3.
Variant type: single nucleotide variant.
Coding change: c.886T>C on transcript NM_013275.6 (MANE Select); coding-DNA position 886, T replaced by C.
Protein change: p.Ser296Pro; replaces serine 296 with proline.
Molecular consequence: missense variant.
Genome position (GRCh38, 1-based): chr16:89,286,045, A>G on the plus strand (T>C on the coding strand, the complement: ANKRD11 is on the minus strand). VCF-style: chr16-89286045-A-G. GRCh37 (hg19) VCF-style: chr16-89352453-A-G.
Other names: c.886T>C, p.Ser296Pro (NM_001256182.2, NM_001256183.2); short protein forms S296P.
Identifiers: ClinVar variation 1312399 (VCV001312399.2), dbSNP rs2151768578, ClinGen allele CA397166247.

ClinVar aggregate classification (germline): Uncertain significance (1 of 4 stars; one submission).

Submission:

GeneDx
Classification: Uncertain significance. Last evaluated: 2019-09-16. Review status: criteria provided, single submitter. Criteria: GeneDx Variant Classification Process June 2021. Collection method: clinical testing. Allele origin: germline. Affected: yes.
Comment: Not observed in large population cohorts (Lek et al., 2016); In silico analysis, which includes protein predictors and evolutionary conservation, supports that this variant does not alter protein structure/function; Has not been previously published as pathogenic or benign to our knowledge